The following is an entry in ClinVar:

ClinVar aggregate classification (germline): Uncertain significance (1 of 4 stars; one submission).

Conditions:
PEX16-related disorder. Also called: PEX16-related condition.

gnomAD v4.1: 65 of 1,611,390 alleles (0.004%); highest among the groups gnomAD compares: Non-Finnish European, 0.0042%; no homozygotes.

Submission:

PreventionGenetics, part of Exact Sciences
Classification: Uncertain significance for PEX16-related condition. Last evaluated: 2026-05-11. Review status: criteria provided, single submitter. Criteria: ACMG Guidelines, 2015. Collection method: clinical testing. Allele origin: germline.
Comment: The PEX16 c.1027C>G variant is predicted to result in the amino acid substitution p.Pro343Ala. On an alternate transcript (NM_057174) this variant is referred to as c.1027C>G (p.Pro343Ala). To our knowledge, this variant has not been reported in the literature. This variant is reported in 0.016% of alleles in individuals of European (Finnish) descent in gnomAD. At this time, the clinical significance of this variant is uncertain due to the absence of conclusive functional and genetic evidence.

NM_004813.4(PEX16):c.*151C>G

Gene: PEX16 (peroxisomal biogenesis factor 16; minus strand). Cytogenetic location: 11p11.2.
Variant type: single nucleotide variant.
Coding change: c.*151C>G on transcript NM_004813.4 (MANE Select); 151 bases downstream of the stop codon, C replaced by G.
Molecular consequence: 3 prime UTR variant. On other transcripts: missense variant (1).
Genome position (GRCh38, 1-based): chr11:45,910,103, G>C on the plus strand (C>G on the coding strand, the complement: PEX16 is on the minus strand). VCF-style: chr11-45910103-G-C. GRCh37 (hg19) VCF-style: chr11-45931654-G-C.
Other names: c.1027C>G, p.Pro343Ala (NM_057174.3); short protein forms P343A.
Identifiers: ClinVar variation 4983456 (VCV004983456.1).